The following is an entry in ClinVar:

ClinVar aggregate classification (germline): Pathogenic (1 of 4 stars; one submission).

Submission:

Labcorp Genetics (formerly Invitae), Labcorp
Classification: Pathogenic. Last evaluated: 2025-03-03. Review status: criteria provided, single submitter. Criteria: Invitae Variant Classification Sherloc (09022015). Collection method: clinical testing. Allele origin: germline.
Comment: This sequence change creates a premature translational stop signal (p.Ser556Glufs*113) in the LZTR1 gene. It is expected to result in an absent or disrupted protein product. Loss-of-function variants in LZTR1 are known to be pathogenic (PMID: 24362817, 25335493, 25480913, 25795793, 29469822, 30368668, 30442762, 30442766, 30481304, 30859559). This variant is not present in population databases (gnomAD no frequency). This variant has not been reported in the literature in individuals affected with LZTR1-related conditions. Algorithms developed to predict the effect of sequence changes on RNA splicing suggest that this variant may disrupt the consensus splice site. For these reasons, this variant has been classified as Pathogenic.

Literature cited by the submitters: PubMed 24362817; PubMed 25335493; PubMed 25480913; PubMed 25795793; PubMed 29469822; PubMed 30368668; PubMed 30442762; PubMed 30442766; PubMed 30481304; PubMed 30859559.

NM_006767.4(LZTR1):c.1664dup (p.Ser556fs)

Gene: LZTR1 (leucine zipper like post translational regulator 1; plus strand). Cytogenetic location: 22q11.21.
Variant type: Duplication.
Coding change: c.1664dup on transcript NM_006767.4 (MANE Select); coding-DNA position 1664, one base duplicated (T; older notation c.1664dupT).
Protein change: p.Ser556fs; shifts the reading frame from serine 556.
Molecular consequence: frameshift variant.
Genome position (GRCh38, 1-based): chr22:20,994,606, T duplicated. VCF-style (leftmost placement, unchanged base first): chr22-20994605-C-CT. GRCh37 (hg19) VCF-style: chr22-21348894-C-CT.
Other names: short protein forms S556fs.
Identifiers: ClinVar variation 4714246 (VCV004714246.1).